The following is an entry in ClinVar:

ClinVar aggregate classification (germline): Likely benign. Review status: criteria provided, multiple submitters, no conflicts (2 of 4 stars). 2 submissions from 2 submitters: Likely benign (2). Last evaluated 2024-09-23.

Allele frequency attached by ClinVar (database versions not stated): TOPMed 0.00026; gnomAD 0.00033; ExAC 0.00035; gnomAD exomes 0.00056; 1000 Genomes Project 0.00060; ESP Exome Variant Server 0.00062; 1000 Genomes Project 30x 0.00078.
gnomAD v4.1: 857 of 1,614,142 alleles (0.053%); highest among the groups gnomAD compares: Non-Finnish European, 0.066%; no homozygotes.

Submissions (2):

Blueprint Genetics
Classification: Likely benign. Last evaluated: 2024-09-23. Review status: criteria provided, single submitter. Criteria: ACMG Guidelines, 2015. Collection method: clinical testing. Allele origin: germline.

CeGaT Center for Human Genetics Tuebingen
Classification: Likely benign. Last evaluated: 2024-02-01. Review status: criteria provided, single submitter. Criteria: CeGaT Center For Human Genetics Tuebingen Variant Classification Criteria Version 2. Collection method: clinical testing. Allele origin: germline. Affected: yes. Observed: 3 variant alleles.
Comment: EXOC2: BP4, BP7

NM_018303.6(EXOC2):c.1374C>T (p.Leu458=)

Gene: EXOC2 (exocyst complex component 2; minus strand). Cytogenetic location: 6p25.3.
Variant type: single nucleotide variant.
Coding change: c.1374C>T on transcript NM_018303.6 (MANE Select); coding-DNA position 1374, C replaced by T.
Protein change: p.Leu458=; no amino-acid change (leucine 458 retained).
Molecular consequence: synonymous variant. On other transcripts: non-coding transcript variant (1).
Genome position (GRCh38, 1-based): chr6:572,589, G>A on the plus strand (C>T on the coding strand, the complement: EXOC2 is on the minus strand). VCF-style: chr6-572589-G-A. GRCh37 (hg19) VCF-style: chr6-572589-G-A.
Identifiers: ClinVar variation 2656167 (VCV002656167.25), dbSNP rs147854260, ClinGen allele CA3613561.